The following is an entry in ClinVar:

ClinVar aggregate classification (germline): Uncertain significance (1 of 4 stars; one submission).

Allele frequency attached by ClinVar (database versions not stated): gnomAD exomes below 0.00001; ExAC 0.00001.
gnomAD v4.1: 2 of 1,614,146 alleles (0.00012%); highest among the groups gnomAD compares: South Asian, 0.0022%; no homozygotes.

Submission:

Labcorp Genetics (formerly Invitae), Labcorp
Classification: Uncertain significance. Last evaluated: 2022-07-23. Review status: criteria provided, single submitter. Criteria: Invitae Variant Classification Sherloc (09022015). Collection method: clinical testing. Allele origin: germline.
Comment: In summary, the available evidence is currently insufficient to determine the role of this variant in disease. Therefore, it has been classified as a Variant of Uncertain Significance. Algorithms developed to predict the effect of missense changes on protein structure and function are either unavailable or do not agree on the potential impact of this missense change (SIFT: "Deleterious"; PolyPhen-2: "Benign"; Align-GVGD: "Class C25"). This variant has not been reported in the literature in individuals affected with USH2A-related conditions. This variant is present in population databases (rs753032286, gnomAD 0.003%). This sequence change replaces lysine, which is basic and polar, with arginine, which is basic and polar, at codon 863 of the USH2A protein (p.Lys863Arg).

NM_206933.4(USH2A):c.2588A>G (p.Lys863Arg)

Genes: USH2A (usherin; minus strand), LOC122152296 (Sharpr-MPRA regulatory region 8762; plus strand). Cytogenetic location: 1q41.
Variant type: single nucleotide variant.
Coding change: c.2588A>G on transcript NM_206933.4 (MANE Select); coding-DNA position 2588, A replaced by G.
Protein change: p.Lys863Arg; replaces lysine 863 with arginine.
Molecular consequence: missense variant.
Genome position (GRCh38, 1-based): chr1:216,246,806, T>C on the plus strand (A>G on the coding strand, the complement: USH2A is on the minus strand). VCF-style: chr1-216246806-T-C. GRCh37 (hg19) VCF-style: chr1-216420148-T-C.
Other names: c.2588A>G, p.Lys863Arg (NM_007123.6); short protein forms K863R.
Identifiers: ClinVar variation 1713573 (VCV001713573.6), dbSNP rs753032286, ClinGen allele CA1396205.